The following is an entry in ClinVar:

ClinVar aggregate classification (germline): Uncertain significance (0 of 4 stars; one submission).

Conditions:
DLG4-related disorder. Also called: DLG4-related condition.

gnomAD v4.1: 3 of 1,595,966 alleles (0.00019%); highest among the groups gnomAD compares: Non-Finnish European, 0.00017%; no homozygotes.

Submission:

PreventionGenetics, part of Exact Sciences
Classification: Uncertain significance for DLG4-related condition. Last evaluated: 2024-07-29. Review status: no assertion criteria provided. Collection method: clinical testing. Allele origin: germline.
Comment: The DLG4 c.770C>T variant is predicted to result in the amino acid substitution p.Ala257Val. To our knowledge, this variant has not been reported in the literature. This variant is reported in 0.0018% of alleles in individuals of European (Non-Finnish) descent in gnomAD. At this time, the clinical significance of this variant is uncertain due to the absence of conclusive functional and genetic evidence.

NM_001321075.3(DLG4):c.641C>T (p.Ala214Val)

Gene: DLG4 (discs large MAGUK scaffold protein 4; minus strand). Cytogenetic location: 17p13.1.
Variant type: single nucleotide variant.
Coding change: c.641C>T on transcript NM_001321075.3 (MANE Select); coding-DNA position 641, C replaced by T.
Protein change: p.Ala214Val; replaces alanine 214 with valine.
Molecular consequence: missense variant. On other transcripts: non-coding transcript variant (1).
Genome position (GRCh38, 1-based): chr17:7,203,194, G>A on the plus strand (C>T on the coding strand, the complement: DLG4 is on the minus strand). VCF-style: chr17-7203194-G-A. GRCh37 (hg19) VCF-style: chr17-7106513-G-A.
Other names: c.632C>T, p.Ala211Val (NM_001128827.4); c.761C>T, p.Ala254Val (NM_001321074.1); c.461C>T, p.Ala154Val (NM_001321076.3, NM_001321077.3); c.770C>T, p.Ala257Val (NM_001365.5); c.560C>T, p.Ala187Val (NM_001369566.3); short protein forms A154V, A187V, A211V, A214V, A254V, A257V.
Identifiers: ClinVar variation 3357940 (VCV003357940.1).
Genomic context (GRCh38, chr17:7,203,194, plus strand): 5'-CAGGGCTAGTAGGTGAGACCCAAATCTGGGCTAGAAAATGGGCTAGATGGAGTCCTCACC[G>A]CCAGGATCTTGTCTCCAATCTGCAACCTCCCATCCTTGTGGGCAGCACCCCCTTCGATGA-3'
Protein context (NP_001308004.1, residues 204-224): GRLQIGDKIL[Ala214Val]VNSVGLEDVM